The following is an entry in ClinVar:

ClinVar aggregate classification (germline): Likely pathogenic (1 of 4 stars; one submission).

Conditions:
Tuberous sclerosis 1 (TSC1). Identifiers: Orphanet 805, MedGen C1854465, MONDO:0008612, OMIM 191100.

Submission:

Labcorp Genetics (formerly Invitae), Labcorp
Classification: Likely pathogenic for Tuberous sclerosis 1. Last evaluated: 2019-07-01. Review status: criteria provided, single submitter. Criteria: Invitae Variant Classification Sherloc (09022015). Collection method: clinical testing. Allele origin: unknown.
Comment: In summary, the currently available evidence indicates that the variant is pathogenic, but additional data are needed to prove that conclusively. Therefore, this variant has been classified as Likely Pathogenic. Loss-of-function variants in TSC1 are known to be pathogenic (PMID: 10227394, 17304050). This variant has not been reported in the literature in individuals with TSC1-related conditions. This variant is a deletion of the genomic region encompassing exon 17 and part of exon 18 (c.2042-177_2266del) of the TSC1 gene. It is expected to disrupt RNA splicing and likely results in an absent or disrupted protein product.

Literature cited by the submitters: PubMed 10227394; PubMed 17304050.

NC_000009.11:g.(?_135778117)_(135779381_?)del

Gene: TSC1 (TSC complex subunit 1; minus strand). Cytogenetic location: 9q34.13.
Variant type: Deletion.
Identifiers: ClinVar variation 3245197 (VCV003245197.1).